The following is an entry in ClinVar:

NM_001277.3(CHKA):c.306C>T (p.Ala102=)

Gene: CHKA (choline kinase alpha; minus strand). Cytogenetic location: 11q13.2.
Variant type: single nucleotide variant.
Coding change: c.306C>T on transcript NM_001277.3 (MANE Select); coding-DNA position 306, C replaced by T.
Protein change: p.Ala102=; no amino-acid change (alanine 102 retained).
Molecular consequence: synonymous variant. On other transcripts: 5 prime UTR variant (2), non-coding transcript variant (1).
Genome position (GRCh38, 1-based): chr11:68,120,872, G>A on the plus strand (C>T on the coding strand, the complement: CHKA is on the minus strand). VCF-style: chr11-68120872-G-A. GRCh37 (hg19) VCF-style: chr11-67888339-G-A.
Other names: c.306C>T, p.Ala102= (NM_001376219.1, NM_001376220.1, NM_212469.2); c.-59C>T (NM_001376221.1, NM_001376222.1).
Identifiers: ClinVar variation 4681640 (VCV004681640.5).

ClinVar aggregate classification (germline): Likely benign (1 of 4 stars; one submission).

gnomAD v4.1: 41 of 1,357,200 alleles (0.003%); highest among the groups gnomAD compares: Non-Finnish European, 0.0037%; no homozygotes.

Submission:

CeGaT Center for Human Genetics Tuebingen
Classification: Likely benign. Last evaluated: 2025-12-01. Review status: criteria provided, single submitter. Criteria: CeGaT Center For Human Genetics Tuebingen Variant Classification Criteria Version 2. Collection method: clinical testing. Allele origin: germline. Affected: yes. Observed: 1 variant allele.
Comment: CHKA: BP4, BP7